The following is an entry in ClinVar:

NM_206933.4(USH2A):c.13547G>A (p.Gly4516Glu)

Gene: USH2A (usherin; minus strand). Cytogenetic location: 1q41.
Variant type: single nucleotide variant.
Coding change: c.13547G>A on transcript NM_206933.4 (MANE Select); coding-DNA position 13547, G replaced by A.
Protein change: p.Gly4516Glu; replaces glycine 4516 with glutamic acid.
Molecular consequence: missense variant.
Genome position (GRCh38, 1-based): chr1:215,674,364, C>T on the plus strand (G>A on the coding strand, the complement: USH2A is on the minus strand). VCF-style: chr1-215674364-C-T. GRCh37 (hg19) VCF-style: chr1-215847706-C-T.
Other names: short protein forms G4516E.
Identifiers: ClinVar variation 1959041 (VCV001959041.6), dbSNP rs774759345, ClinGen allele CA1393271.

ClinVar aggregate classification (germline): Pathogenic/Likely pathogenic. Review status: criteria provided, multiple submitters, no conflicts (2 of 4 stars). 2 submissions from 2 submitters: Pathogenic (1); Likely pathogenic (1). Last evaluated 2024-08-12.

Conditions:
USH2A-related disorder. Also called: USH2A-related condition; USH2A-related disorders. Identifiers: MedGen CN239332.

Allele frequency attached by ClinVar (database versions not stated): ExAC 0.00001.
gnomAD v4.1: 12 of 1,613,884 alleles (0.00074%); highest among the groups gnomAD compares: South Asian, 0.011%; no homozygotes.

Submissions (2):

Blueprint Genetics
Classification: Likely pathogenic for USH2A-related disorders. Last evaluated: 2024-08-12. Review status: criteria provided, single submitter. Criteria: ACMG Guidelines, 2015. Collection method: clinical testing. Allele origin: germline. Affected: yes. Observed: 1 variant allele.

Labcorp Genetics (formerly Invitae), Labcorp
Classification: Pathogenic. Last evaluated: 2023-12-20. Review status: criteria provided, single submitter. Criteria: Invitae Variant Classification Sherloc (09022015). Collection method: clinical testing. Allele origin: germline.
Comment: This sequence change replaces glycine, which is neutral and non-polar, with glutamic acid, which is acidic and polar, at codon 4516 of the USH2A protein (p.Gly4516Glu). This variant is present in population databases (rs774759345, gnomAD 0.006%). This missense change has been observed in individuals with autosomal recessive retinitis pigmentosa (Invitae). ClinVar contains an entry for this variant (Variation ID: 1959041). Advanced modeling of protein sequence and biophysical properties (such as structural, functional, and spatial information, amino acid conservation, physicochemical variation, residue mobility, and thermodynamic stability) performed at Invitae indicates that this missense variant is expected to disrupt USH2A protein function with a positive predictive value of 95%. This variant disrupts the p.Gly4516 amino acid residue in USH2A. Other variant(s) that disrupt this residue have been determined to be pathogenic (PMID: 28127548, 28704108; Invitae). This suggests that this residue is clinically significant, and that variants that disrupt this residue are likely to be disease-causing. For these reasons, this variant has been classified as Pathogenic.

Literature cited by the submitters: PubMed 28127548 (cited by Labcorp Genetics (formerly Invitae), Labcorp); PubMed 28704108 (cited by Labcorp Genetics (formerly Invitae), Labcorp).